The following is an entry in ClinVar:

NM_021076.4(NEFH):c.2199C>A (p.Pro733=)

Gene: NEFH (neurofilament heavy chain; plus strand). Cytogenetic location: 22q12.2.
Variant type: single nucleotide variant.
Coding change: c.2199C>A on transcript NM_021076.4 (MANE Select); coding-DNA position 2199, C replaced by A.
Protein change: p.Pro733=; no amino-acid change (proline 733 retained).
Molecular consequence: synonymous variant.
Genome position (GRCh38, 1-based): chr22:29,489,839, C>A. VCF-style: chr22-29489839-C-A. GRCh37 (hg19) VCF-style: chr22-29885828-C-A.
Identifiers: ClinVar variation 2653052 (VCV002653052.24), dbSNP rs766025300, ClinGen allele CA514339009.

ClinVar aggregate classification (germline): Likely benign (1 of 4 stars; one submission).

Submission:

CeGaT Center for Human Genetics Tuebingen
Classification: Likely benign. Last evaluated: 2024-01-01. Review status: criteria provided, single submitter. Criteria: CeGaT Center For Human Genetics Tuebingen Variant Classification Criteria Version 2. Collection method: clinical testing. Allele origin: germline. Affected: yes. Observed: 2 variant alleles.
Comment: NEFH: BP4, BP7